The following is an entry in ClinVar:

NM_000373.4(UMPS):c.*1711T>G

Gene: UMPS (uridine monophosphate synthetase; plus strand). Cytogenetic location: 3q21.2.
Variant type: single nucleotide variant.
Coding change: c.*1711T>G on transcript NM_000373.4 (MANE Select); 1711 bases downstream of the stop codon, T replaced by G.
Molecular consequence: 3 prime UTR variant. On other transcripts: non-coding transcript variant (2).
Genome position (GRCh38, 1-based): chr3:124,745,795, T>G. VCF-style: chr3-124745795-T-G. GRCh37 (hg19) VCF-style: chr3-124464642-T-G.
Identifiers: ClinVar variation 342965 (VCV000342965.5), dbSNP rs10934684, ClinGen allele CA2582001.
Genomic context (GRCh38, chr3:124,745,795, plus strand): 5'-AAGAATTTTCTGACAAAAACTTGCAGGAATCTCTTAGGTGTCTTCAGTGTTGGAGTGATA[T>G]GTTGAGAGGCCTTTGGAGTGATGTGCTGAGGTCTCAGGCGCCCACCTCCCTGGCTGTCAC-3'

ClinVar aggregate classification (germline): Benign (1 of 4 stars; one submission).

Conditions:
Oroticaciduria. Also called: Orotic aciduria. Identifiers: Orphanet 30, MedGen C0268128, HP:0003218.

Allele frequency attached by ClinVar (database versions not stated): ExAC 0.22927; TOPMed 0.25692; gnomAD 0.24960 and 0.24951; 1000 Genomes Project 0.24481; gnomAD exomes 0.26556 and 0.27671.
gnomAD v4.1: 118,363 of 453,818 alleles (26%); highest among the groups gnomAD compares: East Asian, 35%; 16,419 homozygotes.

Submission:

Illumina Laboratory Services, Illumina
Classification: Benign for Hereditary orotic aciduria. Last evaluated: 2018-01-12. Review status: criteria provided, single submitter. Criteria: ICSL Variant Classification Criteria 13 December 2019. Collection method: clinical testing. Allele origin: germline.
Comment: This variant was observed in the ICSL laboratory as part of a predisposition screen in an ostensibly healthy population. It had not been previously curated by ICSL or reported in the Human Gene Mutation Database (HGMD: prior to June 1st, 2018), and was therefore a candidate for classification through an automated scoring system. Utilizing variant allele frequency, disease prevalence and penetrance estimates, and inheritance mode, an automated score was calculated to assess if this variant is too frequent to cause the disease. Based on the score and internal cut-off values, a variant classified as benign is not then subjected to further curation. The score for this variant resulted in a classification of benign for this disease.